The following is an entry in ClinVar:

ClinVar aggregate classification (germline): Uncertain significance. Review status: criteria provided, multiple submitters, no conflicts (2 of 4 stars). 2 submissions from 2 submitters: Uncertain significance (2). Last evaluated 2025-02-28.

Conditions:
Hereditary cancer-predisposing syndrome. Also called: Neoplastic Syndromes, Hereditary; Hereditary neoplastic syndrome; Tumor predisposition; Hereditary Cancer Syndrome. Identifiers: Orphanet 140162, MedGen C0027672, MeSH D009386, MONDO:0015356.

Submissions (2):

Ambry Genetics
Classification: Uncertain significance for Hereditary cancer-predisposing syndrome. Last evaluated: 2025-02-28. Review status: criteria provided, single submitter. Criteria: Ambry Variant Classification Scheme 2023. Collection method: clinical testing. Allele origin: germline.
Comment: The p.E157Q variant (also known as c.469G>C), located in coding exon 3 of the PHOX2B gene, results from a G to C substitution at nucleotide position 469. The glutamic acid at codon 157 is replaced by glutamine, an amino acid with highly similar properties. This amino acid position is conserved. In addition, the in silico prediction for this alteration is inconclusive. Based on the available evidence, the clinical significance of this variant remains unclear.

GeneDx
Classification: Uncertain significance. Last evaluated: 2024-03-18. Review status: criteria provided, single submitter. Criteria: GeneDx Variant Classification Process June 2021. Collection method: clinical testing. Allele origin: germline. Affected: yes.
Comment: Not observed at significant frequency in large population cohorts (gnomAD); In silico analysis supports that this missense variant has a deleterious effect on protein structure/function; Has not been previously published as pathogenic or benign to our knowledge

NM_003924.4(PHOX2B):c.469G>C (p.Glu157Gln)

Gene: PHOX2B (paired like homeobox 2B; minus strand). Cytogenetic location: 4p13.
Variant type: single nucleotide variant.
Coding change: c.469G>C on transcript NM_003924.4 (MANE Select); coding-DNA position 469, G replaced by C.
Protein change: p.Glu157Gln; replaces glutamic acid 157 with glutamine.
Molecular consequence: missense variant.
Genome position (GRCh38, 1-based): chr4:41,746,283, C>G on the plus strand (G>C on the coding strand, the complement: PHOX2B is on the minus strand). VCF-style: chr4-41746283-C-G. GRCh37 (hg19) VCF-style: chr4-41748300-C-G.
Other names: short protein forms E157Q.
Identifiers: ClinVar variation 2479399 (VCV002479399.4), dbSNP rs2552096902, ClinGen allele CA356738691.